The following is an entry in ClinVar:

ClinVar aggregate classification (germline): Uncertain significance. Review status: criteria provided, multiple submitters, no conflicts (2 of 4 stars). 5 submissions from 5 submitters: Uncertain significance (5). Last evaluated 2025-09-17.

Conditions:
Ehlers-Danlos syndrome due to tenascin-X deficiency (EDSCLL1). Also called: TNX DEFICIENCY; EHLERS-DANLOS SYNDROME, CLASSIC-LIKE; TNXB-Related Classical-Like Ehlers-Danlos Syndrome; Ehlers-Danlos syndrome, classic-like, 1; EDS DUE TO TNX DEFICIENCY. Identifiers: Orphanet 230839, MedGen C1848029, MONDO:0011670, OMIM 606408.
Vesicoureteral reflux 8 (VUR8). Identifiers: Orphanet 289365, MedGen C4014831, MONDO:0014422, OMIM 615963.
Ehlers-Danlos syndrome (EDS). Identifiers: Orphanet 98249, MedGen C0013720, MONDO:0020066.
Cardiovascular phenotype. Identifiers: MedGen CN230736.

Allele frequency attached by ClinVar (database versions not stated): gnomAD 0.00001; TOPMed 0.00002.

Submissions (5):

Ambry Genetics
Classification: Uncertain significance for Cardiovascular phenotype. Last evaluated: 2025-09-17. Review status: criteria provided, single submitter. Criteria: Ambry Variant Classification Scheme 2023. Collection method: clinical testing. Allele origin: germline.
Comment: The p.P1254R variant (also known as c.3761C>G), located in coding exon 9 of the TNXB gene, results from a C to G substitution at nucleotide position 3761. The proline at codon 1254 is replaced by arginine, an amino acid with dissimilar properties. This amino acid position is conserved. In addition, this alteration is predicted to be tolerated by in silico analysis. Since supporting evidence is limited at this time, the clinical significance of this alteration remains unclear.

Mayo Clinic Laboratories, Mayo Clinic
Classification: Uncertain significance. Last evaluated: 2023-02-15. Review status: criteria provided, single submitter. Criteria: ACMG Guidelines, 2015. Collection method: clinical testing. Allele origin: germline. Observed: 2 variant alleles.
Comment: BP4

GeneDx
Classification: Uncertain significance. Last evaluated: 2022-11-11. Review status: criteria provided, single submitter. Criteria: GeneDx Variant Classification Process June 2021. Collection method: clinical testing. Allele origin: germline. Affected: yes.
Comment: Has not been previously published as pathogenic or benign to our knowledge; Not observed at significant frequency in large population cohorts (gnomAD); In silico analysis supports that this missense variant does not alter protein structure/function

Fulgent Genetics
Classification: Uncertain significance for Ehlers-Danlos syndrome due to tenascin-X deficiency; Vesicoureteral reflux 8. Last evaluated: 2021-11-01. Review status: criteria provided, single submitter. Criteria: ACMG Guidelines, 2015. Collection method: clinical testing. Allele origin: unknown.

Genome Diagnostics Laboratory, The Hospital for Sick Children
Classification: Uncertain significance for Ehlers-Danlos syndrome. Last evaluated: 2019-12-01. Review status: criteria provided, single submitter. Criteria: ACMG Guidelines, 2015. Collection method: clinical testing. Allele origin: germline.

NM_001365276.2(TNXB):c.3761C>G (p.Pro1254Arg)

Gene: TNXB (tenascin XB; minus strand). Cytogenetic location: 6p21.33.
Variant type: single nucleotide variant.
Coding change: c.3761C>G on transcript NM_001365276.2 (MANE Select); coding-DNA position 3761, C replaced by G.
Protein change: p.Pro1254Arg; replaces proline 1254 with arginine.
Molecular consequence: missense variant.
Genome position (GRCh38, 1-based): chr6:32,081,649, G>C on the plus strand (C>G on the coding strand, the complement: TNXB is on the minus strand). VCF-style: chr6-32081649-G-C. GRCh37 (hg19) VCF-style: chr6-32049426-G-C.
Other names: p.Pro1254Arg; c.3761C>G, p.Pro1254Arg (NM_019105.8); short protein forms P1254R.
Identifiers: ClinVar variation 1216708 (VCV001216708.12), dbSNP rs762130701, ClinGen allele CA363434873.